The following is an entry in ClinVar:

ClinVar aggregate classification (germline): Uncertain significance (1 of 4 stars; one submission).

Conditions:
Alzheimer disease 3 (AD3). Also called: ALZHEIMER DISEASE, FAMILIAL, 3. Identifiers: Orphanet 1020, MedGen C1843013, MONDO:0011913, OMIM 607822.
Frontotemporal dementia (FTD1). Also called: FRONTOTEMPORAL DEMENTIA WITH PARKINSONISM; FRONTOTEMPORAL LOBE DEMENTIA; MULTIPLE SYSTEM TAUOPATHY WITH PRESENILE DEMENTIA; WILHELMSEN-LYNCH DISEASE; Dementia, frontotemporal, with or without parkinsonism; Frontotemporal Dementia with Parkinsonism-17 (FTDP-17). Identifiers: Orphanet 282, MedGen C0338451, MONDO:0017276, OMIM 600274, HP:0002145.
Acne inversa, familial, 3 (ACNINV3). Identifiers: MedGen C3151038, MONDO:0013398, OMIM 613737.
Pick disease. Also called: DEMENTIA WITH LOBAR ATROPHY AND NEURONAL CYTOPLASMIC INCLUSIONS; LOBAR ATROPHY OF BRAIN; Pick's disease; PICK DISEASE OF BRAIN; Pick Disease of the Brain. Identifiers: Orphanet 282, MedGen C0236642, MONDO:0008243, OMIM 172700.

Submission:

Labcorp Genetics (formerly Invitae), Labcorp
Classification: Uncertain significance for Alzheimer disease 3; Pick disease; Acne inversa, familial, 3; Frontotemporal dementia. Last evaluated: 2024-11-15. Review status: criteria provided, single submitter. Criteria: Invitae Variant Classification Sherloc (09022015). Collection method: clinical testing. Allele origin: germline.
Comment: This sequence change replaces threonine, which is neutral and polar, with arginine, which is basic and polar, at codon 74 of the PSEN1 protein (p.Thr74Arg). This variant is not present in population databases (gnomAD no frequency). This variant has not been reported in the literature in individuals affected with PSEN1-related conditions. Invitae Evidence Modeling of protein sequence and biophysical properties (such as structural, functional, and spatial information, amino acid conservation, physicochemical variation, residue mobility, and thermodynamic stability) indicates that this missense variant is expected to disrupt PSEN1 protein function with a positive predictive value of 95%. In summary, the available evidence is currently insufficient to determine the role of this variant in disease. Therefore, it has been classified as a Variant of Uncertain Significance.

NM_000021.4(PSEN1):c.221C>G (p.Thr74Arg)

Gene: PSEN1 (presenilin 1; plus strand). Cytogenetic location: 14q24.2.
Variant type: single nucleotide variant.
Coding change: c.221C>G on transcript NM_000021.4 (MANE Select); coding-DNA position 221, C replaced by G.
Protein change: p.Thr74Arg; replaces threonine 74 with arginine.
Molecular consequence: missense variant.
Genome position (GRCh38, 1-based): chr14:73,170,930, C>G. VCF-style: chr14-73170930-C-G. GRCh37 (hg19) VCF-style: chr14-73637638-C-G.
Other names: c.209C>G, p.Thr70Arg (NM_007318.3); short protein forms T70R, T74R.
Identifiers: ClinVar variation 3748568 (VCV003748568.2).
Genomic context (GRCh38, chr14:73,170,930, plus strand): 5'-GACCCCAGGGTAACTCCCGGCAGGTGGTGGAGCAAGATGAGGAAGAAGATGAGGAGCTGA[C>G]ATTGAAATATGGCGCCAAGCATGTGATCATGCTCTTTGTCCCTGTGACTCTCTGCATGGT-3'
Protein context (NP_000012.1, residues 64-84): EQDEEEDEEL[Thr74Arg]LKYGAKHVIM